The following is an entry in ClinVar:

ClinVar aggregate classification (germline): Uncertain significance (1 of 4 stars; one submission).

Conditions:
Joubert syndrome 14 (JBTS14). Identifiers: MedGen C3280766, MONDO:0013745, OMIM 614424.

Allele frequency attached by ClinVar (database versions not stated): gnomAD exomes below 0.00001.

Submission:

Labcorp Genetics (formerly Invitae), Labcorp
Classification: Uncertain significance for Joubert syndrome 14. Last evaluated: 2024-05-29. Review status: criteria provided, single submitter. Criteria: Invitae Variant Classification Sherloc (09022015). Collection method: clinical testing. Allele origin: germline.
Comment: This sequence change replaces valine, which is neutral and non-polar, with methionine, which is neutral and non-polar, at codon 360 of the TMEM237 protein (p.Val360Met). This variant is not present in population databases (gnomAD no frequency). This variant has not been reported in the literature in individuals affected with TMEM237-related conditions. ClinVar contains an entry for this variant (Variation ID: 1916837). Advanced modeling of protein sequence and biophysical properties (such as structural, functional, and spatial information, amino acid conservation, physicochemical variation, residue mobility, and thermodynamic stability) performed at Invitae indicates that this missense variant is expected to disrupt TMEM237 protein function with a positive predictive value of 80%. In summary, the available evidence is currently insufficient to determine the role of this variant in disease. Therefore, it has been classified as a Variant of Uncertain Significance.

NM_001044385.3(TMEM237):c.1078G>A (p.Val360Met)

Gene: TMEM237 (transmembrane protein 237; minus strand). Cytogenetic location: 2q33.1.
Variant type: single nucleotide variant.
Coding change: c.1078G>A on transcript NM_001044385.3 (MANE Select); coding-DNA position 1078, G replaced by A.
Protein change: p.Val360Met; replaces valine 360 with methionine.
Molecular consequence: missense variant.
Genome position (GRCh38, 1-based): chr2:201,626,107, C>T on the plus strand (G>A on the coding strand, the complement: TMEM237 is on the minus strand). VCF-style: chr2-201626107-C-T. GRCh37 (hg19) VCF-style: chr2-202490830-C-T.
Other names: c.1054G>A, p.Val352Met (NM_152388.4); short protein forms V360M, V352M.
Identifiers: ClinVar variation 1916837 (VCV001916837.5), dbSNP rs1957756642, ClinGen allele CA350304632.
Genomic context (GRCh38, chr2:201,626,107, plus strand): 5'-GCCTATAAGACAAAAATAGCCAAGATAATCCAACCAGAAGAGCCACCACGAGATTCACCA[C>T]AATCCATGGCTGGAGAATCTGTTCCTCAATTCCTGCTTCCCTAAAAATGTAGAAACACTC-3'
Protein context (NP_001037850.1, residues 350-370): IEEQILQPWI[Val360Met]VNLVVALLVG